The following is an entry in ClinVar:

ClinVar aggregate classification (germline): Uncertain significance (1 of 4 stars; one submission).

Conditions:
Dilated cardiomyopathy 1O (CMD1O). Also called: CARDIOMYOPATHY, DILATED, WITH VENTRICULAR TACHYCARDIA. Identifiers: Orphanet 154, MedGen C1837839, MONDO:0012062, OMIM 608569.

Submission:

Labcorp Genetics (formerly Invitae), Labcorp
Classification: Uncertain significance for Dilated cardiomyopathy 1O. Last evaluated: 2024-04-30. Review status: criteria provided, single submitter. Criteria: Invitae Variant Classification Sherloc (09022015). Collection method: clinical testing. Allele origin: germline.
Comment: This sequence change replaces alanine, which is neutral and non-polar, with valine, which is neutral and non-polar, at codon 665 of the ABCC9 protein (p.Ala665Val). This variant is not present in population databases (gnomAD no frequency). This variant has not been reported in the literature in individuals affected with ABCC9-related conditions. Advanced modeling of protein sequence and biophysical properties (such as structural, functional, and spatial information, amino acid conservation, physicochemical variation, residue mobility, and thermodynamic stability) performed at Invitae indicates that this missense variant is not expected to disrupt ABCC9 protein function with a negative predictive value of 95%. In summary, the available evidence is currently insufficient to determine the role of this variant in disease. Therefore, it has been classified as a Variant of Uncertain Significance.

NM_020297.4(ABCC9):c.1994C>T (p.Ala665Val)

Gene: ABCC9 (ATP binding cassette subfamily C member 9; minus strand). Cytogenetic location: 12p12.1.
Variant type: single nucleotide variant.
Coding change: c.1994C>T on transcript NM_020297.4 (MANE Select); coding-DNA position 1994, C replaced by T.
Protein change: p.Ala665Val; replaces alanine 665 with valine.
Molecular consequence: missense variant.
Genome position (GRCh38, 1-based): chr12:21,882,791, G>A on the plus strand (C>T on the coding strand, the complement: ABCC9 is on the minus strand). VCF-style: chr12-21882791-G-A. GRCh37 (hg19) VCF-style: chr12-22035725-G-A.
Other names: c.1994C>T, p.Ala665Val (NM_001377273.1, NM_005691.4); c.1130C>T, p.Ala377Val (NM_001377274.1); short protein forms A377V, A665V.
Identifiers: ClinVar variation 3703686 (VCV003703686.2).
Genomic context (GRCh38, chr12:21,882,791, plus strand): 5'-TCTATTCATGTAAGAATCCAGGAAATAAAAATAACCTTTATTGCAATGTCCTCTGTTTCT[G>A]CGGGACGTAGACGCCGTGTTGATTGCTCATAGCTGTCCAGGTGATATCTTCCAGGCTGTT-3'
Protein context (NP_064693.2, residues 655-675): YEQSTRRLRP[Ala665Val]ETEDIAIKVT